The following is an entry in ClinVar:

ClinVar aggregate classification (germline): Uncertain significance (1 of 4 stars; one submission).

Conditions:
Familial thoracic aortic aneurysm and aortic dissection (TAAD). Also called: Thoracic aortic aneurysms and dissections. Identifiers: Orphanet 91387, MedGen C4707243, MONDO:0019625.

gnomAD v4.1: 1 of 1,614,126 alleles (0.000062%); highest among the groups gnomAD compares: Non-Finnish European, 0.000085%; no homozygotes.

Submission:

Color Diagnostics, LLC DBA Color Health
Classification: Uncertain significance for Familial thoracic aortic aneurysm and aortic dissection. Last evaluated: 2025-08-14. Review status: criteria provided, single submitter. Criteria: ACMG Guidelines, 2015. Collection method: clinical testing. Allele origin: germline.
Comment: This missense variant replaces threonine with isoleucine at codon 231 of the ACTA2 protein. Computational prediction is inconclusive regarding the impact of this variant on protein structure and function. To our knowledge, functional studies have not been reported for this variant. This variant has not been reported in individuals affected with ACTA2-related disorders in the literature. This variant has not been identified in the general population by the Genome Aggregation Database (gnomAD). The available evidence is insufficient to determine the role of this variant in disease conclusively. Therefore, this variant is classified as a Variant of Uncertain Significance.

NM_001613.4(ACTA2):c.692C>T (p.Thr231Ile)

Genes: ACTA2 (actin alpha 2, smooth muscle; minus strand), ACTA2-AS1 (ACTA2 antisense RNA 1; plus strand). Cytogenetic location: 10q23.31.
Variant type: single nucleotide variant.
Coding change: c.692C>T on transcript NM_001613.4 (MANE Select); coding-DNA position 692, C replaced by T.
Protein change: p.Thr231Ile; replaces threonine 231 with isoleucine.
Molecular consequence: missense variant. On other transcripts: non-coding transcript variant (1), intron variant (1).
Genome position (GRCh38, 1-based): chr10:88,939,623, G>A on the plus strand (C>T on the coding strand, the complement: ACTA2 is on the minus strand). VCF-style: chr10-88939623-G-A. GRCh37 (hg19) VCF-style: chr10-90699380-G-A.
Other names: c.692C>T, p.Thr231Ile (NM_001141945.3, NM_001320855.2, NM_001406462.1 and 2 more transcripts); c.581C>T, p.Thr194Ile (NM_001406466.1); c.563C>T, p.Thr188Ile (NM_001406467.1, NM_001406468.1, NM_001406469.1); c.617-1381C>T (NM_001406471.1); short protein forms T188I, T194I, T231I.
Identifiers: ClinVar variation 4756232 (VCV004756232.1).